The following is an entry in ClinVar:

NM_001291303.3(FAT4):c.13879G>A (p.Ala4627Thr)

Gene: FAT4 (FAT atypical cadherin 4; plus strand). Cytogenetic location: 4q28.1.
Variant type: single nucleotide variant.
Coding change: c.13879G>A on transcript NM_001291303.3 (MANE Select); coding-DNA position 13879, G replaced by A.
Protein change: p.Ala4627Thr; replaces alanine 4627 with threonine.
Molecular consequence: missense variant.
Genome position (GRCh38, 1-based): chr4:125,490,695, G>A. VCF-style: chr4-125490695-G-A. GRCh37 (hg19) VCF-style: chr4-126411850-G-A.
Other names: c.13876G>A, p.Ala4626Thr (NM_001291285.3, NM_001438397.1); c.8650G>A, p.Ala2884Thr (NM_001437895.1); c.13879G>A, p.Ala4627Thr (NM_001438396.1); c.13873G>A, p.Ala4625Thr (NM_024582.6); short protein forms A2884T, A4625T, A4626T, A4627T.
Identifiers: ClinVar variation 4985975 (VCV004985975.1).

ClinVar aggregate classification (germline): Uncertain significance (1 of 4 stars; one submission).

Conditions:
FAT4-related disorder. Also called: FAT4-related condition.

gnomAD v4.1: 16 of 1,613,968 alleles (0.00099%); highest among the groups gnomAD compares: African/African-American, 0.008%; no homozygotes.

Submission:

PreventionGenetics, part of Exact Sciences
Classification: Uncertain significance for FAT4-related condition. Last evaluated: 2024-10-14. Review status: criteria provided, single submitter. Criteria: ACMG Guidelines, 2015. Collection method: clinical testing. Allele origin: germline.
Comment: The FAT4 c.13879G>A variant is predicted to result in the amino acid substitution p.Ala4627Thr. To our knowledge, this variant has not been reported in the literature. This variant is reported in 0.0065% of alleles in individuals of South Asian descent in gnomAD. At this time, the clinical significance of this variant is uncertain due to the absence of conclusive functional and genetic evidence.